The following is an entry in ClinVar:

NM_033380.3(COL4A5):c.182T>A (p.Leu61Ter)

Gene: COL4A5 (collagen type IV alpha 5 chain; plus strand). Cytogenetic location: Xq22.3.
Variant type: single nucleotide variant.
Coding change: c.182T>A on transcript NM_033380.3 (MANE Select); coding-DNA position 182, T replaced by A.
Protein change: p.Leu61Ter; replaces leucine 61 with a stop codon.
Molecular consequence: nonsense.
Genome position (GRCh38, 1-based): chrX:108,559,104, T>A. VCF-style: chrX-108559104-T-A. GRCh37 (hg19) VCF-style: chrX-107802334-T-A.
Other names: c.182T>A, p.Leu61Ter (NM_000495.5); short protein forms L61*.
Identifiers: ClinVar variation 983608 (VCV000983608.3), dbSNP rs2065868148, ClinGen allele CA413914424.

ClinVar aggregate classification (germline): Likely pathogenic (1 of 4 stars; one submission).

Conditions:
X-linked Alport syndrome (ATS1). Also called: NEPHROPATHY AND DEAFNESS, X-LINKED; COL4A5-Related Nephropathy. Identifiers: Orphanet 63, Orphanet 88917, MedGen C4746986, MONDO:0010520, OMIM 301050.

Submission:

Myriad Genetics, Inc.
Classification: Likely pathogenic for X-linked Alport syndrome. Last evaluated: 2019-11-03. Review status: criteria provided, single submitter. Criteria: Myriad Women's Health Autosomal Recessive and X-Linked Classification Criteria (2019). Collection method: clinical testing. Allele origin: unknown.
Comment: NM_000495.4(COL4A5):c.182T>A(L61*) is expected to be pathogenic in the context of X-linked Alport syndrome. This variant is predicted to lead to an abnormal or absent protein product due to the creation of a premature termination codon in COL4A5, a gene where loss-of-function variants are known to be pathogenic. Please note: this variant was assessed in the context of healthy population screening.